The following is an entry in ClinVar:

NM_147127.5(EVC2):c.772_773dup (p.Ser258fs)

Gene: EVC2 (EvC ciliary complex subunit 2; minus strand). Cytogenetic location: 4p16.2.
Variant type: Microsatellite.
Coding change: c.772_773dup on transcript NM_147127.5 (MANE Select); coding-DNA positions 772 to 773, 2 bases duplicated (AG; older notation c.772_773dupAG).
Protein change: p.Ser258fs; shifts the reading frame from serine 258.
Molecular consequence: frameshift variant.
Genome position (GRCh38, 1-based): chr4:5,685,413-5,685,414, CT duplicated on the plus strand (AG on the coding strand, the reverse complement: EVC2 is on the minus strand); duplicating any 2 consecutive bases within chr4:5,685,413-5,685,417 gives the same sequence; the c. name uses the placement nearest the transcript's 3' end. VCF-style (leftmost placement, unchanged base first): chr4-5685412-G-GCT. GRCh37 (hg19) VCF-style: chr4-5687139-G-GCT.
Other names: c.532_533dup, p.Ser178fs (NM_001166136.2); short protein forms S178fs, S258fs.
Identifiers: ClinVar variation 5011367 (VCV005011367.1).

ClinVar aggregate classification (germline): Pathogenic (1 of 4 stars; one submission).

Conditions:
Ellis-van Creveld syndrome (EVC). Also called: MESOECTODERMAL DYSPLASIA; Chondroectodermal dysplasia. Identifiers: Orphanet 289, MedGen C0013903, MONDO:0009162, OMIM 225500.

Submission:

Myriad Genetics, Inc.
Classification: Pathogenic for Ellis-van Creveld syndrome. Last evaluated: 2023-08-17. Review status: criteria provided, single submitter. Criteria: Myriad Autosomal Dominant, Autosomal Recessive and X-Linked Classification Criteria (2023). Collection method: clinical testing. Allele origin: unknown.
Comment: NM_147127.4(EVC2):c.772_773dupAG(S258Rfs*21) is expected to be pathogenic in the context of EVC2-related Ellis-van Creveld syndrome. This variant is predicted to lead to an abnormal or absent protein product due to the creation of a premature termination codon in EVC2, a gene where loss-of-function variants are known to be pathogenic. Please note: this variant was assessed in the context of healthy population screening.